The following is an entry in ClinVar:

NM_001199799.2(ILDR1):c.98G>A (p.Arg33His)

Gene: ILDR1 (immunoglobulin like domain containing receptor 1; minus strand). Cytogenetic location: 3q13.33.
Variant type: single nucleotide variant.
Coding change: c.98G>A on transcript NM_001199799.2 (MANE Select); coding-DNA position 98, G replaced by A.
Protein change: p.Arg33His; replaces arginine 33 with histidine.
Molecular consequence: missense variant.
Genome position (GRCh38, 1-based): chr3:122,007,122, C>T on the plus strand (G>A on the coding strand, the complement: ILDR1 is on the minus strand). VCF-style: chr3-122007122-C-T. GRCh37 (hg19) VCF-style: chr3-121725969-C-T.
Other names: c.98G>A (NM_001199799.1); c.98G>A, p.Arg33His (NM_001199800.2, NM_175924.4); short protein forms R33H.
Identifiers: ClinVar variation 1987807 (VCV001987807.7), dbSNP rs371505275, ClinGen allele CA2569048.
Genomic context (GRCh38, chr3:122,007,122, plus strand): 5'-AGCTGGGCAGAGGTGGTGTAGTCACATTTGAGGATGATAGAGGCAAACAGGGTGACATAG[C>T]GTTCTGTGTGCTGGACCGTCACAAGCAAGGACAGGCACCCTAAAGCCAAGAGCAGGAGAA-3'
Protein context (NP_001186728.1, residues 23-43): SLLVTVQHTE[Arg33His]YVTLFASIIL

ClinVar aggregate classification (germline): Uncertain significance. Review status: criteria provided, multiple submitters, no conflicts (2 of 4 stars). 3 submissions from 3 submitters: Uncertain significance (3). Last evaluated 2025-11-21.

Allele frequency attached by ClinVar (database versions not stated): ExAC 0.00007; ESP Exome Variant Server 0.00008; gnomAD 0.00011.
gnomAD v4.1: 49 of 1,614,012 alleles (0.003%); highest among the groups gnomAD compares: Middle Eastern, 0.033%; 1 homozygote.

Submissions (3):

GeneDx
Classification: Uncertain significance. Last evaluated: 2025-11-21. Review status: criteria provided, single submitter. Criteria: GeneDx Variant Classification Process June 2021. Collection method: clinical testing. Allele origin: germline.
Comment: In silico analysis supports that this missense variant has a deleterious effect on protein structure/function; Has not been previously published as pathogenic or benign to our knowledge

Blueprint Genetics
Classification: Uncertain significance. Last evaluated: 2024-05-24. Review status: criteria provided, single submitter. Criteria: ACMG Guidelines, 2015. Collection method: clinical testing. Allele origin: germline.

Labcorp Genetics (formerly Invitae), Labcorp
Classification: Uncertain significance. Last evaluated: 2023-12-11. Review status: criteria provided, single submitter. Criteria: Invitae Variant Classification Sherloc (09022015). Collection method: clinical testing. Allele origin: germline.
Comment: This sequence change replaces arginine, which is basic and polar, with histidine, which is basic and polar, at codon 33 of the ILDR1 protein (p.Arg33His). This variant is present in population databases (rs371505275, gnomAD 0.05%). This variant has not been reported in the literature in individuals affected with ILDR1-related conditions. ClinVar contains an entry for this variant (Variation ID: 1987807). An algorithm developed to predict the effect of missense changes on protein structure and function (PolyPhen-2) suggests that this variant is likely to be disruptive. In summary, the available evidence is currently insufficient to determine the role of this variant in disease. Therefore, it has been classified as a Variant of Uncertain Significance.